The following is an entry in ClinVar:

NM_001040108.2(MLH3):c.3616A>G (p.Thr1206Ala)

Gene: MLH3 (mutL homolog 3; minus strand). Cytogenetic location: 14q24.3.
Variant type: single nucleotide variant.
Coding change: c.3616A>G on transcript NM_001040108.2 (MANE Select); coding-DNA position 3616, A replaced by G.
Protein change: p.Thr1206Ala; replaces threonine 1206 with alanine.
Molecular consequence: missense variant.
Genome position (GRCh38, 1-based): chr14:75,038,367, T>C on the plus strand (A>G on the coding strand, the complement: MLH3 is on the minus strand). VCF-style: chr14-75038367-T-C. GRCh37 (hg19) VCF-style: chr14-75505070-T-C.
Other names: c.3616A>G, p.Thr1206Ala (NM_014381.3); short protein forms T1206A.
Identifiers: ClinVar variation 2101139 (VCV002101139.6), dbSNP rs746635216, ClinGen allele CA7275405.

ClinVar aggregate classification (germline): Uncertain significance. Review status: criteria provided, multiple submitters, no conflicts (2 of 4 stars). 2 submissions from 2 submitters: Uncertain significance (2). Last evaluated 2023-01-29.

Conditions:
Colorectal cancer, hereditary nonpolyposis, type 7. Identifiers: Orphanet 144, MedGen C1858380, MONDO:0013725, OMIM 614385.

Allele frequency attached by ClinVar (database versions not stated): gnomAD exomes below 0.00001; ExAC 0.00001.
gnomAD v4.1: 3 of 1,613,978 alleles (0.00019%); highest among the groups gnomAD compares: South Asian, 0.0033%; no homozygotes.

Submissions (2):

Ambry Genetics
Classification: Uncertain significance. Last evaluated: 2023-01-29. Review status: criteria provided, single submitter. Criteria: Ambry Variant Classification Scheme 2023. Collection method: clinical testing. Allele origin: germline.
Comment: The p.T1206A variant (also known as c.3616A>G), located in coding exon 5 of the MLH3 gene, results from an A to G substitution at nucleotide position 3616. The threonine at codon 1206 is replaced by alanine, an amino acid with similar properties. This amino acid position is conserved. In addition, the in silico prediction for this alteration is inconclusive. Since supporting evidence is limited at this time, the clinical significance of this alteration remains unclear.

Labcorp Genetics (formerly Invitae), Labcorp
Classification: Uncertain significance for Colorectal cancer, hereditary nonpolyposis, type 7. Last evaluated: 2022-11-28. Review status: criteria provided, single submitter. Criteria: Invitae Variant Classification Sherloc (09022015). Collection method: clinical testing. Allele origin: germline.
Comment: This sequence change replaces threonine, which is neutral and polar, with alanine, which is neutral and non-polar, at codon 1206 of the MLH3 protein (p.Thr1206Ala). This variant is present in population databases (rs746635216, gnomAD 0.006%). This variant has not been reported in the literature in individuals affected with MLH3-related conditions. Algorithms developed to predict the effect of missense changes on protein structure and function are either unavailable or do not agree on the potential impact of this missense change (SIFT: "Deleterious"; PolyPhen-2: "Probably Damaging"; Align-GVGD: "Class C0"). In summary, the available evidence is currently insufficient to determine the role of this variant in disease. Therefore, it has been classified as a Variant of Uncertain Significance.